The following is an entry in ClinVar:

NM_001378120.1(MBD5):c.2688C>T (p.His896=)

Gene: MBD5 (methyl-CpG binding domain protein 5; plus strand). Cytogenetic location: 2q23.1.
Variant type: single nucleotide variant.
Coding change: c.2688C>T on transcript NM_001378120.1 (MANE Select); coding-DNA position 2688, C replaced by T.
Protein change: p.His896=; no amino-acid change (histidine 896 retained).
Molecular consequence: synonymous variant.
Genome position (GRCh38, 1-based): chr2:148,483,279, C>T. VCF-style: chr2-148483279-C-T. GRCh37 (hg19) VCF-style: chr2-149240848-C-T.
Other names: c.2688C>T, p.His896= (NM_018328.5).
Identifiers: ClinVar variation 1030647 (VCV001030647.11), dbSNP rs1681222021, ClinGen allele CA429447776.

ClinVar aggregate classification (germline): Conflicting classifications of pathogenicity. Review status: criteria provided, conflicting classifications (1 of 4 stars). 2 submissions from 2 submitters: Uncertain significance (1); Likely benign (1). Last evaluated 2022-10-21.

Conditions:
Intellectual developmental disorder, autosomal dominant 1. Also called: Intellectual disability, autosomal dominant 1; MBD5 Haploinsufficiency. Identifiers: Orphanet 228402, MedGen C1969562, MONDO:0007974, OMIM 156200.

Allele frequency attached by ClinVar (database versions not stated): gnomAD 0.00001; gnomAD exomes below 0.00001.
gnomAD v4.1: 4 of 1,613,864 alleles (0.00025%); highest among the groups gnomAD compares: Middle Eastern, 0.016%; no homozygotes.

Submissions (2):

Labcorp Genetics (formerly Invitae), Labcorp
Classification: Likely benign for Intellectual developmental disorder, autosomal dominant 1. Last evaluated: 2022-10-21. Review status: criteria provided, single submitter. Criteria: Invitae Variant Classification Sherloc (09022015). Collection method: clinical testing. Allele origin: germline.

Baylor Genetics
Classification: Uncertain significance for Intellectual developmental disorder, autosomal dominant 1. Last evaluated: 2019-08-15. Review status: criteria provided, single submitter. Criteria: ACMG Guidelines, 2015. Collection method: clinical testing. Allele origin: unknown. Affected: yes.
Comment: This variant was determined to be of uncertain significance according to ACMG Guidelines, 2015 [PMID:25741868].